The following is an entry in ClinVar:

ClinVar aggregate classification (germline): Uncertain significance (1 of 4 stars; one submission).

gnomAD v4.1: 48 of 1,603,066 alleles (0.003%); highest among the groups gnomAD compares: Non-Finnish European, 0.0039%; no homozygotes.

Submission:

Labcorp Genetics (formerly Invitae), Labcorp
Classification: Uncertain significance. Last evaluated: 2025-03-17. Review status: criteria provided, single submitter. Criteria: Invitae Variant Classification Sherloc (09022015). Collection method: clinical testing. Allele origin: germline.
Comment: This sequence change affects codon 52 of the THAP11 mRNA. It is a 'silent' change, meaning that it does not change the encoded amino acid sequence of the THAP11 protein. The frequency data for this variant in the population databases is considered unreliable, as metrics indicate poor data quality at this position in the gnomAD database. This variant has not been reported in the literature in individuals affected with THAP11-related conditions. In summary, the available evidence is currently insufficient to determine the role of this variant in disease. Therefore, it has been classified as a Variant of Uncertain Significance.

NM_020457.3(THAP11):c.156C>T (p.Phe52=)

Genes: CENPT (centromere protein T; minus strand), THAP11 (THAP domain containing 11; plus strand). Cytogenetic location: 16q22.1.
Variant type: single nucleotide variant.
Coding change: c.156C>T on transcript NM_020457.3 (MANE Select); coding-DNA position 156, C replaced by T.
Protein change: p.Phe52=; no amino-acid change (phenylalanine 52 retained).
Molecular consequence: synonymous variant. On other transcripts: intron variant (1).
Genome position (GRCh38, 1-based): chr16:67,842,710, C>T. VCF-style: chr16-67842710-C-T. GRCh37 (hg19) VCF-style: chr16-67876613-C-T.
Other names: c.-492+4691G>A (NM_025082.4).
Identifiers: ClinVar variation 4709273 (VCV004709273.1).